The following is an entry in ClinVar:

ClinVar aggregate classification (germline): Pathogenic (1 of 4 stars; one submission).

Conditions:
Autosomal recessive polycystic kidney disease (ARPKD). Also called: AR polycystic kidney disease. Identifiers: Orphanet 731, Orphanet 8378, MedGen C0085548, MeSH D017044, MONDO:0009889.

gnomAD v4.1: 3 of 1,606,034 alleles (0.00019%); highest among the groups gnomAD compares: Non-Finnish European, 0.00026%; no homozygotes.

Submission:

Labcorp Genetics (formerly Invitae), Labcorp
Classification: Pathogenic for Autosomal recessive polycystic kidney disease. Last evaluated: 2023-06-27. Review status: criteria provided, single submitter. Criteria: Invitae Variant Classification Sherloc (09022015). Collection method: clinical testing. Allele origin: germline.
Comment: This variant has not been reported in the literature in individuals affected with PKHD1-related conditions. For these reasons, this variant has been classified as Pathogenic. Algorithms developed to predict the effect of sequence changes on RNA splicing suggest that this variant may disrupt the consensus splice site. ClinVar contains an entry for this variant (Variation ID: 2030398). This variant is not present in population databases (gnomAD no frequency). This sequence change creates a premature translational stop signal (p.Gly150*) in the PKHD1 gene. It is expected to result in an absent or disrupted protein product. Loss-of-function variants in PKHD1 are known to be pathogenic (PMID: 19940839).

Literature cited by the submitters: PubMed 19940839.

NM_138694.4(PKHD1):c.448G>T (p.Gly150Ter)

Gene: PKHD1 (PKHD1 ciliary IPT domain containing fibrocystin/polyductin; minus strand). Cytogenetic location: 6p12.2.
Variant type: single nucleotide variant.
Coding change: c.448G>T on transcript NM_138694.4 (MANE Select); coding-DNA position 448, G replaced by T.
Protein change: p.Gly150Ter; replaces glycine 150 with a stop codon.
Molecular consequence: nonsense.
Genome position (GRCh38, 1-based): chr6:52,076,276, C>A on the plus strand (G>T on the coding strand, the complement: PKHD1 is on the minus strand). VCF-style: chr6-52076276-C-A. GRCh37 (hg19) VCF-style: chr6-51941074-C-A.
Other names: c.448G>T, p.Gly150Ter (NM_170724.3); short protein forms G150*.
Identifiers: ClinVar variation 2030398 (VCV002030398.4), dbSNP rs2533664820, ClinGen allele CA364437734.